The following is an entry in ClinVar:

ClinVar aggregate classification (germline): Uncertain significance (1 of 4 stars; one submission).

Conditions:
Bethlem myopathy 1A. Also called: MYOPATHY, BENIGN CONGENITAL, WITH CONTRACTURES; Bethlem myopathy 1; Bethlem Muscular Dystrophy. Identifiers: Orphanet 610, MedGen CN029274, MONDO:0024530, OMIM 158810.

Submission:

Labcorp Genetics (formerly Invitae), Labcorp
Classification: Uncertain significance for Bethlem myopathy 1A. Last evaluated: 2025-02-10. Review status: criteria provided, single submitter. Criteria: Invitae Variant Classification Sherloc (09022015). Collection method: clinical testing. Allele origin: germline.
Comment: This sequence change replaces alanine, which is neutral and non-polar, with glutamic acid, which is acidic and polar, at codon 174 of the COL6A3 protein (p.Ala174Glu). This variant is not present in population databases (gnomAD no frequency). This variant has not been reported in the literature in individuals affected with COL6A3-related conditions. Invitae Evidence Modeling of protein sequence and biophysical properties (such as structural, functional, and spatial information, amino acid conservation, physicochemical variation, residue mobility, and thermodynamic stability) indicates that this missense variant is not expected to disrupt COL6A3 protein function with a negative predictive value of 95%. In summary, the available evidence is currently insufficient to determine the role of this variant in disease. Therefore, it has been classified as a Variant of Uncertain Significance.

NM_004369.4(COL6A3):c.521C>A (p.Ala174Glu)

Gene: COL6A3 (collagen type VI alpha 3 chain; minus strand). Cytogenetic location: 2q37.3.
Variant type: single nucleotide variant.
Coding change: c.521C>A on transcript NM_004369.4 (MANE Select); coding-DNA position 521, C replaced by A.
Protein change: p.Ala174Glu; replaces alanine 174 with glutamic acid.
Molecular consequence: missense variant. On other transcripts: intron variant (4).
Genome position (GRCh38, 1-based): chr2:237,394,775, G>T on the plus strand (C>A on the coding strand, the complement: COL6A3 is on the minus strand). VCF-style: chr2-237394775-G-T. GRCh37 (hg19) VCF-style: chr2-238303418-G-T.
Other names: c.91+1952C>A (NM_057166.5, NM_057167.4, NM_057164.5 and 1 more transcripts); short protein forms A174E.
Identifiers: ClinVar variation 4800382 (VCV004800382.1).